The following is an entry in ClinVar:

NM_001042492.3(NF1):c.7003_7006dup (p.Ala2336fs)

Gene: NF1 (neurofibromin 1; plus strand). Cytogenetic location: 17q11.2.
Variant type: Duplication.
Coding change: c.7003_7006dup on transcript NM_001042492.3 (MANE Select); coding-DNA positions 7003 to 7006, 4 bases duplicated (ACCG; older notation c.7003_7006dupACCG).
Protein change: p.Ala2336fs; shifts the reading frame from alanine 2336.
Molecular consequence: frameshift variant.
Genome position (GRCh38, 1-based): chr17:31,340,586-31,340,589, ACCG duplicated. VCF-style (leftmost placement, unchanged base first): chr17-31340585-T-TACCG. GRCh37 (hg19) VCF-style: chr17-29667603-T-TACCG.
Other names: c.6940_6943dup, p.Ala2315Aspfs (NM_000267.4); short protein forms A2315fs, A2336fs.
Identifiers: ClinVar variation 2896003 (VCV002896003.3), dbSNP rs2508770438, ClinGen allele CA2739267440.

ClinVar aggregate classification (germline): Pathogenic (1 of 4 stars; one submission).

Conditions:
Neurofibromatosis, type 1 (NF1). Also called: Neurofibromatosis, type I; VON RECKLINGHAUSEN DISEASE; Peripheral type neurofibromatosis; NEUROFIBROMATOSIS, TYPE I, SOMATIC. Identifiers: Orphanet 636, MedGen C0027831, MONDO:0018975, OMIM 162200. Disease mechanism: loss of function.

Submission:

Labcorp Genetics (formerly Invitae), Labcorp
Classification: Pathogenic for Neurofibromatosis, type 1. Last evaluated: 2023-03-24. Review status: criteria provided, single submitter. Criteria: Invitae Variant Classification Sherloc (09022015). Collection method: clinical testing. Allele origin: germline.
Comment: This sequence change creates a premature translational stop signal (p.Ala2315Aspfs*5) in the NF1 gene. It is expected to result in an absent or disrupted protein product. Loss-of-function variants in NF1 are known to be pathogenic (PMID: 10712197, 23913538). This variant is not present in population databases (gnomAD no frequency). This variant has not been reported in the literature in individuals affected with NF1-related conditions. For these reasons, this variant has been classified as Pathogenic.

Literature cited by the submitters: PubMed 10712197; PubMed 23913538.